The following is an entry in ClinVar:

NM_018433.6(KDM3A):c.2340G>A (p.Pro780=)

Gene: KDM3A (lysine demethylase 3A; plus strand). Cytogenetic location: 2p11.2.
Variant type: single nucleotide variant.
Coding change: c.2340G>A on transcript NM_018433.6 (MANE Select); coding-DNA position 2340, G replaced by A.
Protein change: p.Pro780=; no amino-acid change (proline 780 retained).
Molecular consequence: synonymous variant.
Genome position (GRCh38, 1-based): chr2:86,480,190, G>A. VCF-style: chr2-86480190-G-A. GRCh37 (hg19) VCF-style: chr2-86707313-G-A.
Other names: c.2340G>A, p.Pro780= (NM_001146688.2).
Identifiers: ClinVar variation 3059965 (VCV003059965.2), dbSNP rs61748134, ClinGen allele CA1749664.

ClinVar aggregate classification (germline): Benign (0 of 4 stars; one submission).

Conditions:
KDM3A-related disorder. Also called: KDM3A-related condition.

Allele frequency attached by ClinVar (database versions not stated): ESP Exome Variant Server 0.01738; TOPMed 0.01761; gnomAD 0.01766; ExAC 0.02045; gnomAD exomes 0.02137; 1000 Genomes Project 30x 0.02545; 1000 Genomes Project 0.02736.
gnomAD v4.1: 34,184 of 1,612,826 alleles (2.1%); highest among the groups gnomAD compares: East Asian, 6.6%; 499 homozygotes.

Submission:

PreventionGenetics, part of Exact Sciences
Classification: Benign for KDM3A-related condition. Last evaluated: 2019-06-11. Review status: no assertion criteria provided. Collection method: clinical testing. Allele origin: germline.
Comment: This variant is classified as benign based on ACMG/AMP sequence variant interpretation guidelines (Richards et al. 2015 PMID: 25741868, with internal and published modifications).